The following is an entry in ClinVar:

ClinVar aggregate classification (germline): Uncertain significance. Review status: criteria provided, multiple submitters, no conflicts (2 of 4 stars). 2 submissions from 2 submitters: Uncertain significance (2). Last evaluated 2024-03-06.

Conditions:
Hereditary cancer-predisposing syndrome. Also called: Tumor predisposition; Hereditary neoplastic syndrome; Hereditary Cancer Syndrome; Neoplastic Syndromes, Hereditary. Identifiers: Orphanet 140162, MedGen C0027672, MeSH D009386, MONDO:0015356.

Submissions (2):

Color Diagnostics, LLC DBA Color Health
Classification: Uncertain significance for Hereditary cancer-predisposing syndrome. Last evaluated: 2024-03-06. Review status: criteria provided, single submitter. Criteria: ACMG Guidelines, 2015. Collection method: clinical testing. Allele origin: germline.
Comment: This missense variant replaces glutamic acid with aspartic acid at codon 135 of the APC protein. Computational prediction suggests that this variant may not impact protein structure and function (internally defined REVEL score threshold <= 0.5, PMID: 27666373). To our knowledge, functional studies have not been reported for this variant. This variant has not been reported in individuals affected with hereditary cancer in the literature. This variant has not been identified in the general population by the Genome Aggregation Database (gnomAD). The available evidence is insufficient to determine the role of this variant in disease conclusively. Therefore, this variant is classified as a Variant of Uncertain Significance.

Ambry Genetics
Classification: Uncertain significance for Hereditary cancer-predisposing syndrome. Last evaluated: 2023-12-04. Review status: criteria provided, single submitter. Criteria: Ambry Variant Classification Scheme 2023. Collection method: clinical testing. Allele origin: germline.
Comment: The p.E135D variant (also known as c.405A>T), located in coding exon 3 of the APC gene, results from an A to T substitution at nucleotide position 405. The glutamic acid at codon 135 is replaced by aspartic acid, an amino acid with highly similar properties. This amino acid position is conserved. In addition, in silico predictors for this gene do not accurately predict pathogenicity. Since supporting evidence is limited at this time, the clinical significance of this alteration remains unclear.

NM_000038.6(APC):c.405A>T (p.Glu135Asp)

Gene: APC (APC regulator of Wnt signaling pathway; plus strand). Cytogenetic location: 5q22.2.
Variant type: single nucleotide variant.
Coding change: c.405A>T on transcript NM_000038.6 (MANE Select); coding-DNA position 405, A replaced by T.
Protein change: p.Glu135Asp; replaces glutamic acid 135 with aspartic acid.
Molecular consequence: missense variant. On other transcripts: 5 prime UTR variant (1).
Genome position (GRCh38, 1-based): chr5:112,767,373, A>T. VCF-style: chr5-112767373-A-T. GRCh37 (hg19) VCF-style: chr5-112103070-A-T.
Other names: c.405A>T, p.Glu135Asp (NM_001127510.3, NM_001354895.2, NM_001354896.2 and 2 more transcripts); c.435A>T, p.Glu145Asp (NM_001127511.3, NM_001354897.2, NM_001354902.2); c.330A>T, p.Glu110Asp (NM_001354898.2, NM_001354904.2); c.228A>T, p.Glu76Asp (NM_001354900.2, NM_001354901.2, NM_001354905.2); c.-631A>T (NM_001354906.2); short protein forms E110D, E135D, E145D, E76D.
Identifiers: ClinVar variation 1171177 (VCV001171177.5), dbSNP rs1554069842, ClinGen allele CA16022205.
Genomic context (GRCh38, chr5:112,767,373, plus strand): 5'-GGGTTCATTTCCAAGAAGAGGGTTTGTAAATGGAAGCAGAGAAAGTACTGGATATTTAGA[A>T]GAACTTGAGAAAGAGAGGTAACTTTTCTTCATATAGTAAACATTGCCTTGTGTACTCCAG-3'
Protein context (NP_000029.2, residues 125-145): NGSRESTGYL[Glu135Asp]ELEKERSLLL